The following is an entry in ClinVar:

NM_000245.4(MET):c.2265-37C>G

Gene: MET (MET proto-oncogene, receptor tyrosine kinase; plus strand). Cytogenetic location: 7q31.2.
Variant type: single nucleotide variant.
Coding change: c.2265-37C>G on transcript NM_000245.4 (MANE Select); 37 bases into the intron before coding-DNA position 2265, C replaced by G.
Molecular consequence: intron variant. On other transcripts: missense variant (1).
Genome position (GRCh38, 1-based): chr7:116,759,354, C>G. VCF-style: chr7-116759354-C-G. GRCh37 (hg19) VCF-style: chr7-116399408-C-G.
Other names: c.2282C>G, p.Pro761Arg (NM_001127500.3); c.975-37C>G (NM_001324402.2); c.2265-37C>G (NM_001324401.3); short protein forms P761R.
Identifiers: ClinVar variation 2101624 (VCV002101624.6), dbSNP rs367649400, ClinGen allele CA368981588.

ClinVar aggregate classification (germline): Uncertain significance. Review status: criteria provided, multiple submitters, no conflicts (2 of 4 stars). 2 submissions from 2 submitters: Uncertain significance (2). Last evaluated 2023-06-05.

Conditions:
Hereditary cancer-predisposing syndrome. Also called: Hereditary Cancer Syndrome; Tumor predisposition; Neoplastic Syndromes, Hereditary; Hereditary neoplastic syndrome. Identifiers: Orphanet 140162, MedGen C0027672, MeSH D009386, MONDO:0015356.
Renal cell carcinoma. Identifiers: Orphanet 217071, MedGen C0007134, MeSH D002292, MONDO:0005086, HP:0005584.

Submissions (2):

Ambry Genetics
Classification: Uncertain significance for Hereditary cancer-predisposing syndrome. Last evaluated: 2023-06-05. Review status: criteria provided, single submitter. Criteria: Ambry Variant Classification Scheme 2023. Collection method: clinical testing. Allele origin: germline.
Comment: The p.P761R variant (also known as c.2282C>G), located in coding exon 9 of the MET gene, results from a C to G substitution at nucleotide position 2282. The proline at codon 761 is replaced by arginine, an amino acid with dissimilar properties. This amino acid position is not well conserved in available vertebrate species. In addition, this alteration is predicted to be tolerated by in silico analysis. Since supporting evidence is limited at this time, the clinical significance of this alteration remains unclear.

Labcorp Genetics (formerly Invitae), Labcorp
Classification: Uncertain significance for Renal cell carcinoma. Last evaluated: 2021-12-12. Review status: criteria provided, single submitter. Criteria: Invitae Variant Classification Sherloc (09022015). Collection method: clinical testing. Allele origin: germline.
Comment: This sequence change replaces proline, which is neutral and non-polar, with arginine, which is basic and polar, at codon 761 of the MET protein (p.Pro761Arg). This variant is not present in population databases (gnomAD no frequency). This variant has not been reported in the literature in individuals affected with MET-related conditions. Algorithms developed to predict the effect of missense changes on protein structure and function output the following: SIFT: "Deleterious"; PolyPhen-2: "Benign"; Align-GVGD: "Class C0". The arginine amino acid residue is found in multiple mammalian species, which suggests that this missense change does not adversely affect protein function. In summary, the available evidence is currently insufficient to determine the role of this variant in disease. Therefore, it has been classified as a Variant of Uncertain Significance.